The following is an entry in ClinVar:

ClinVar aggregate classification (germline): Conflicting classifications of pathogenicity. Review status: criteria provided, conflicting classifications (1 of 4 stars). 8 submissions from 7 submitters: Uncertain significance (5); Likely benign (3). Last evaluated 2025-10-20.

Conditions:
GTP cyclohydrolase I deficiency. Identifiers: MedGen C0268467, MONDO:0100184.
Dystonia 5 (DRD). Also called: DYT-GCH1; GTP Cyclohydrolase 1-Deficient Dopa-Responsive Dystonia; Dystonia, DOPA-responsive, with or without hyperphenylalaninemia; DYSTONIA, PROGRESSIVE, WITH DIURNAL VARIATION; DYSTONIA-PARKINSONISM WITH DIURNAL FLUCTUATION. Identifiers: Orphanet 98808, MedGen C1851920, MONDO:0007495, OMIM 128230.
Intellectual disability. Also called: Intellectual developmental disorder; Intellectual functioning disability; intellectual disabilities. Identifiers: MedGen C3714756, MeSH D008607, MONDO:0001071, HP:0001249.

Allele frequency attached by ClinVar (database versions not stated): gnomAD exomes 0.00006 and 0.00010; TOPMed 0.00006; gnomAD 0.00007 and 0.00008; ExAC 0.00013; ESP Exome Variant Server 0.00015.
gnomAD v4.1: 96 of 1,560,970 alleles (0.0062%); highest among the groups gnomAD compares: Non-Finnish European, 0.0069%; no homozygotes.

Submissions (8):

Labcorp Genetics (formerly Invitae), Labcorp
Classification: Uncertain significance for GTP cyclohydrolase I deficiency; Dystonia 5. Last evaluated: 2025-10-20. Review status: criteria provided, single submitter. Criteria: Invitae Variant Classification Sherloc (09022015). Collection method: clinical testing. Allele origin: germline.
Comment: This sequence change falls in intron 3 of the GCH1 gene. It does not directly change the encoded amino acid sequence of the GCH1 protein. It affects a nucleotide within the consensus splice site. This variant is present in population databases (rs369661042, gnomAD 0.02%). This variant has been observed in individual(s) with dystonia and/or Parkinson disease (PMID: 17898029, 38214203). This variant is also known as IVS3+3A>G. ClinVar contains an entry for this variant (Variation ID: 459900). Variants that disrupt the consensus splice site are a relatively common cause of aberrant splicing (PMID: 17576681, 9536098). Algorithms developed to predict the effect of sequence changes on RNA splicing suggest that this variant is not likely to affect RNA splicing. In summary, the available evidence is currently insufficient to determine the role of this variant in disease. Therefore, it has been classified as a Variant of Uncertain Significance.

Laboratory of Genetics, Children's Clinical University Hospital Latvia
Classification: Likely benign. Last evaluated: 2025-02-16. Review status: criteria provided, single submitter. Criteria: ACMG Guidelines, 2015. Collection method: clinical testing. Allele origin: germline. Affected: yes.

Women's Health and Genetics/Laboratory Corporation of America, LabCorp
Classification: Uncertain significance. Last evaluated: 2024-12-10. Review status: criteria provided, single submitter. Criteria: LabCorp Variant Classification Summary - May 2015. Collection method: clinical testing. Allele origin: germline.
Comment: Variant summary: GCH1 c.509+3A>G alters a non-conserved nucleotide located close to a canonical splice site and therefore could affect mRNA splicing, leading to a significantly altered protein sequence. Consensus agreement among computation tools predict no significant impact on normal splicing. However, these predictions have yet to be confirmed by functional studies. The variant allele was found at a frequency of 9.6e-05 in 251256 control chromosomes (gnomAD). This frequency is not significantly higher than estimated for a pathogenic variant in GCH1 causing Dystonia 5, allowing no conclusion about variant significance. c.509+3A>G has been reported in the literature in an individual affected with Dystonia without strong evidence of causality (Zirn_2008). This report does not provide unequivocal conclusions about association of the variant with Dystonia 5. To our knowledge, no experimental evidence demonstrating an impact on protein function has been reported. The following publication has been ascertained in the context of this evaluation (PMID: 17898029). ClinVar contains an entry for this variant (Variation ID: 459900). Based on the evidence outlined above, the variant was classified as uncertain significance.

Blueprint Genetics
Classification: Likely benign. Last evaluated: 2024-09-10. Review status: criteria provided, single submitter. Criteria: ACMG Guidelines, 2015. Collection method: clinical testing. Allele origin: germline.

CeGaT Center for Human Genetics Tuebingen
Classification: Uncertain significance. Last evaluated: 2023-07-01. Review status: criteria provided, single submitter. Criteria: CeGaT Center For Human Genetics Tuebingen Variant Classification Criteria Version 2. Collection method: clinical testing. Allele origin: germline. Affected: yes. Observed: 4 variant alleles.
Comment: GCH1: PM2

Cambridge Genomics Laboratory, East Genomic Laboratory Hub, NHS Genomic Medicine Service
Classification: Likely benign for Intellectual disability. Last evaluated: 2019-09-11. Review status: criteria provided, single submitter. Criteria: ACGS Best Practice Guidelines for Variant Classification in Rare Disease 2020. Collection method: clinical testing. Allele origin: germline. Affected: yes. Observed: 1 variant allele.

Illumina Laboratory Services, Illumina
Classification: Uncertain significance for Dystonia 5. Last evaluated: 2017-04-27. Review status: criteria provided, single submitter. Criteria: ICSL Variant Classification Criteria 13 December 2019. Collection method: clinical testing. Allele origin: germline.
Comment: This variant was observed as part of a predisposition screen in an ostensibly healthy population. A literature search was performed for the gene, cDNA change, and amino acid change (where applicable). Publications were found based on this search. However, the evidence from the literature, in combination with allele frequency data from public databases where available, was not sufficient to rule this variant in or out of causing disease. Therefore, this variant is classified as a variant of unknown significance.

Illumina Laboratory Services, Illumina
Classification: Uncertain significance for GTP cyclohydrolase I deficiency with hyperphenylalaninemia. Last evaluated: 2017-04-27. Review status: criteria provided, single submitter. Criteria: ICSL Variant Classification Criteria 13 December 2019. Collection method: clinical testing. Allele origin: germline.

Literature cited by the submitters: PubMed 17898029 (cited by 3 submitters); PubMed 38214203 (cited by Labcorp Genetics (formerly Invitae), Labcorp); PubMed 17576681 (cited by Labcorp Genetics (formerly Invitae), Labcorp); PubMed 9536098 (cited by Labcorp Genetics (formerly Invitae), Labcorp).

NM_000161.3(GCH1):c.509+3A>G

Gene: GCH1 (GTP cyclohydrolase 1; minus strand). Cytogenetic location: 14q22.2.
Variant type: single nucleotide variant.
Coding change: c.509+3A>G on transcript NM_000161.3 (MANE Select); 3 bases into the intron after coding-DNA position 509, A replaced by G.
Molecular consequence: intron variant.
Genome position (GRCh38, 1-based): chr14:54,859,678, T>C on the plus strand (A>G on the coding strand, the complement: GCH1 is on the minus strand). VCF-style: chr14-54859678-T-C. GRCh37 (hg19) VCF-style: chr14-55326396-T-C.
Other names: c.509+3A>G (NM_001024071.2, NM_001024070.2, NM_001024024.2).
Identifiers: ClinVar variation 459900 (VCV000459900.55), dbSNP rs369661042, ClinGen allele CA7193578.